The following is an entry in ClinVar:

ClinVar aggregate classification (germline): Uncertain significance (1 of 4 stars; one submission).

Conditions:
Ehlers-Danlos syndrome, classic type, 1 (EDSCL1). Also called: EHLERS-DANLOS SYNDROME, GRAVIS TYPE; EHLERS-DANLOS SYNDROME, SEVERE CLASSIC TYPE; Ehlers-Danlos syndrome, type 1; Ehlers-Danlos Syndrome, Classic Type, COL5A1-Related; EDS I. Identifiers: MedGen C0268335, MONDO:0019567, OMIM 130000.

Submission:

Labcorp Genetics (formerly Invitae), Labcorp
Classification: Uncertain significance for Ehlers-Danlos syndrome, classic type, 1. Last evaluated: 2023-02-05. Review status: criteria provided, single submitter. Criteria: Invitae Variant Classification Sherloc (09022015). Collection method: clinical testing. Allele origin: germline.
Comment: In summary, the available evidence is currently insufficient to determine the role of this variant in disease. Therefore, it has been classified as a Variant of Uncertain Significance. Experimental studies and prediction algorithms are not available or were not evaluated, and the functional significance of this variant is currently unknown. This variant has not been reported in the literature in individuals affected with COL5A2-related conditions. The frequency data for this variant in the population databases is considered unreliable, as metrics indicate poor data quality at this position in the gnomAD database. This sequence change replaces proline, which is neutral and non-polar, with leucine, which is neutral and non-polar, at codon 437 of the COL5A2 protein (p.Pro437Leu).

NM_000393.5(COL5A2):c.1310_1311inv (p.Pro437Leu)

Gene: COL5A2 (collagen type V alpha 2 chain; minus strand). Cytogenetic location: 2q32.2.
Variant type: Inversion.
Coding change: c.1310_1311inv on transcript NM_000393.5 (MANE Select).
Protein change: p.Pro437Leu; replaces proline 437 with leucine.
Molecular consequence: missense variant.
Genome position: GRCh38 VCF-style: chr2-189068105-TG-CA. GRCh37 (hg19) VCF-style: chr2-189932831-TG-CA.
Other names: short protein forms P437L.
Identifiers: ClinVar variation 1420820 (VCV001420820.3), ClinGen allele CA2573134288.